The following is an entry in ClinVar:

NM_144670.6(A2ML1):c.3105A>G (p.Thr1035=)

Gene: A2ML1 (alpha-2-macroglobulin like 1; plus strand). Cytogenetic location: 12p13.31.
Variant type: single nucleotide variant.
Coding change: c.3105A>G on transcript NM_144670.6 (MANE Select); coding-DNA position 3105, A replaced by G.
Protein change: p.Thr1035=; no amino-acid change (threonine 1035 retained).
Molecular consequence: synonymous variant.
Genome position (GRCh38, 1-based): chr12:8,857,586, A>G. VCF-style: chr12-8857586-A-G. GRCh37 (hg19) VCF-style: chr12-9010182-A-G.
Other names: c.1632A>G, p.Thr544= (NM_001282424.3); c.3105A>G (NM_144670.3).
Identifiers: ClinVar variation 1329065 (VCV001329065.7), dbSNP rs201335448, ClinGen allele CA6436251.
Genomic context (GRCh38, chr12:8,857,586, plus strand): 5'-GTACAAACACAGCAATGGCTCATACAGTGCCTTTGGGGAGCGAGATGGAAATGGAAACAC[A>G]TGGTAATATCACCCAATTCCCAATGAGTTCTGTACTCCAGAGCATAATTCCTGAGCCCTC-3'
Protein context (NP_653271.3, residues 1025-1045): AFGERDGNGN[Thr1035=]WLTAFVTKCF

ClinVar aggregate classification (germline): Conflicting classifications of pathogenicity. Review status: criteria provided, conflicting classifications (1 of 4 stars). 3 submissions from 3 submitters: Uncertain significance (1); Likely benign (2). Last evaluated 2024-08-20.

Allele frequency attached by ClinVar (database versions not stated): gnomAD exomes 0.00002 and 0.00009; TOPMed 0.00002; ExAC 0.00003.
gnomAD v4.1: 123 of 1,610,122 alleles (0.0076%); highest among the groups gnomAD compares: Non-Finnish European, 0.01%; no homozygotes.

Submissions (3):

Labcorp Genetics (formerly Invitae), Labcorp
Classification: Likely benign. Last evaluated: 2024-08-20. Review status: criteria provided, single submitter. Criteria: Invitae Variant Classification Sherloc (09022015). Collection method: clinical testing. Allele origin: germline.

Ambry Genetics
Classification: Likely benign. Last evaluated: 2024-05-07. Review status: criteria provided, single submitter. Criteria: Ambry Variant Classification Scheme 2023. Collection method: clinical testing. Allele origin: germline.

Women's Health and Genetics/Laboratory Corporation of America, LabCorp
Classification: Uncertain significance. Last evaluated: 2021-11-21. Review status: criteria provided, single submitter. Criteria: LabCorp Variant Classification Summary - May 2015. Collection method: clinical testing. Allele origin: germline.
Comment: Variant summary: A2ML1 c.3105A>G (p.Thr1035Thr) alters a conserved nucleotide located close to a canonical splice site and therefore could affect mRNA splicing, leading to a significantly altered protein sequence. Several computational tools predict a significant impact on normal splicing: Two predict the variant abolishes a 5 prime splicing donor site. Two predict the variant weakens a 5 prime donor site. However, these predictions have yet to be confirmed by functional studies. The variant allele was found at a frequency of 1.7e-05 in 242136 control chromosomes. The available data on variant occurrences in the general population are insufficient to allow any conclusion about variant significance. To our knowledge, no occurrence of c.3105A>G in individuals affected with Noonan Syndrome and no experimental evidence demonstrating its impact on protein function have been reported. No clinical diagnostic laboratories have submitted clinical-significance assessments for this variant to ClinVar after 2014. Based on the evidence outlined above, the variant was classified as uncertain significance.